The following is an entry in ClinVar:

NM_000312.4(PROC):c.616G>A (p.Asp206Asn)

Gene: PROC (protein C, inactivator of coagulation factors Va and VIIIa; plus strand). Cytogenetic location: 2q14.3.
Variant type: single nucleotide variant.
Coding change: c.616G>A on transcript NM_000312.4 (MANE Select); coding-DNA position 616, G replaced by A.
Protein change: p.Asp206Asn; replaces aspartic acid 206 with asparagine.
Molecular consequence: missense variant.
Genome position (GRCh38, 1-based): chr2:127,426,165, G>A. VCF-style: chr2-127426165-G-A. GRCh37 (hg19) VCF-style: chr2-128183741-G-A.
Other names: c.799G>A, p.Asp267Asn (NM_001375602.1); c.781G>A, p.Asp261Asn (NM_001375603.1); c.679G>A, p.Asp227Asn (NM_001375604.1); c.718G>A, p.Asp240Asn (NM_001375605.1); c.784G>A, p.Asp262Asn (NM_001375606.1); c.802G>A, p.Asp268Asn (NM_001375607.1); c.559G>A, p.Asp187Asn (NM_001375608.1); c.592G>A, p.Asp198Asn (NM_001375609.1); and 2 more; short protein forms D187N, D198N, D204N, D206N, D227N, D240N, D261N, D262N.
Identifiers: ClinVar variation 4077056 (VCV004077056.1).

ClinVar aggregate classification (germline): Uncertain significance (1 of 4 stars; one submission).

Conditions:
Thrombophilia due to protein C deficiency, autosomal dominant. Also called: PROC DEFICIENCY, AUTOSOMAL DOMINANT; PROTEIN C DEFICIENCY, AUTOSOMAL DOMINANT. Identifiers: Orphanet 745, MedGen C2674321, MONDO:0008316, OMIM 176860. Disease mechanism: loss of function.

Submission:

MVZ Dr. Eberhard & Partner Dortmund
Classification: Uncertain significance for Thrombophilia due to protein C deficiency, autosomal dominant. Review status: criteria provided, single submitter. Criteria: ACMG Guidelines, 2015. Collection method: clinical testing. Allele origin: unknown.
Comment: According to our research, the missense variant c.616G>A for p.(Asp206Asn) in PROC has not yet been described in the literature and is not found in reference populations of different ethnicities. The amino acid aspartic acid at codon 206 is located in the activation peptide of protein C and is weakly conserved; the exchange of aspartic acid for asparagine is considered a conservative exchange (Grantham score 23, range 0-215). In silico analyses did not reveal any evidence of an influence of p.Asp206Asn on the function of the protein.